The following is an entry in ClinVar:

NM_000238.4(KCNH2):c.3091_3096dup (p.Gly1031_Arg1032dup)

Gene: KCNH2 (potassium voltage-gated channel subfamily H member 2; minus strand). Cytogenetic location: 7q36.1.
Variant type: Duplication.
Coding change: c.3091_3096dup on transcript NM_000238.4 (MANE Select); coding-DNA positions 3091 to 3096, 6 bases duplicated (GGTCGG; older notation c.3091_3096dupGGTCGG).
Protein change: p.Gly1031_Arg1032dup.
Molecular consequence: inframe insertion.
Genome position (GRCh38, 1-based): chr7:150,947,384-150,947,389, CCGACC duplicated on the plus strand (GGTCGG on the coding strand, the reverse complement: KCNH2 is on the minus strand); duplicating any 6 consecutive bases within chr7:150,947,384-150,947,390 gives the same sequence; the c. name uses the placement nearest the transcript's 3' end. VCF-style (leftmost placement, unchanged base first): chr7-150947383-G-GCCGACC. GRCh37 (hg19) VCF-style: chr7-150644471-G-GCCGACC.
Other names: c.2071_2076dup, p.Gly691_Arg692dup (NM_172057.3).
Identifiers: ClinVar variation 925579 (VCV000925579.12), dbSNP rs1563145780, ClinGen allele CA579075357.
Genomic context (GRCh38, chr7:150,947,383, plus strand): 5'-CTCACCTGTTGAGCTGGCGCTGGAGGGCATCCAGCCTGCTCTCCACGTCGCCCCGGGGCC[G>GCCGACC]CCGACCCGGGCTGGAGAGGGGGATGTTGAGGAGGCTGGGGGTGGGGGCGGGGCATCGAGG-3'

ClinVar aggregate classification (germline): Uncertain significance. Review status: criteria provided, multiple submitters, no conflicts (2 of 4 stars). 2 submissions from 2 submitters: Uncertain significance (2). Last evaluated 2025-10-07.

Conditions:
Cardiac arrhythmia. Also called: Cardiac rhythm disease; Arrhythmia. Identifiers: MedGen C0003811, MONDO:0007263, HP:0011675.
Long QT syndrome (LQTS). Identifiers: MedGen C0023976, MeSH D008133, MONDO:0002442. Disease mechanism: loss of function. Inheritance: Various modes of inheritance.

Submissions (2):

Labcorp Genetics (formerly Invitae), Labcorp
Classification: Uncertain significance for Long QT syndrome. Last evaluated: 2025-10-07. Review status: criteria provided, single submitter. Criteria: Invitae Variant Classification Sherloc (09022015). Collection method: clinical testing. Allele origin: germline.
Comment: This variant, c.3091_3096dup, results in the insertion of 2 amino acid(s) of the KCNH2 protein (p.Gly1031_Arg1032dup), but otherwise preserves the integrity of the reading frame. This variant is present in population databases (no rsID available, gnomAD 0.004%). This variant has not been reported in the literature in individuals affected with KCNH2-related conditions. ClinVar contains an entry for this variant (Variation ID: 925579). Experimental studies and prediction algorithms are not available or were not evaluated, and the functional significance of this variant is currently unknown. In summary, the available evidence is currently insufficient to determine the role of this variant in disease. Therefore, it has been classified as a Variant of Uncertain Significance.

Color Diagnostics, LLC DBA Color Health
Classification: Uncertain significance for Cardiac arrhythmia. Last evaluated: 2025-09-05. Review status: criteria provided, single submitter. Criteria: ACMG Guidelines, 2015. Collection method: clinical testing. Allele origin: germline.
Comment: This variant results in a tandem duplication of two amino acids in the KCNH2 protein. To our knowledge, functional studies have not been reported for this variant. This variant has not been reported in individuals affected with KCNH2-related disorders in the literature. This variant has been identified in 1/145596 chromosomes in the general population by the Genome Aggregation Database (gnomAD). The available evidence is insufficient to determine the role of this variant in disease conclusively. Therefore, this variant is classified as a Variant of Uncertain Significance.